The following is an entry in ClinVar:

ClinVar aggregate classification (germline): no classifications from unflagged records (0 of 4 stars; one submission).

Conditions:
Autosomal dominant nonsyndromic hearing loss 69. Also called: Deafness, autosomal dominant 69; Deafness, autosomal dominant 69, unilateral or asymmetric. Identifiers: Orphanet 90635, MedGen C4225241, MONDO:0014738, OMIM 616697.

Submission:

OMIM
Classification: Pathogenic for DEAFNESS, AUTOSOMAL DOMINANT 69. Last evaluated: 2015-11-05. Review status: flagged submission. Collection method: literature only. Allele origin: germline.
ClinVar note: Notes: Flagging candidate with reason of insufficient supporting evidence. This gene has been classified as having a limited gene-disease relationship by a ClinGen Expert Panel.
ClinVar note: Reason: Other

Literature cited by the submitters: PubMed 26522471.

NM_000899.5(KITLG):c.200_202del (p.His67_Cys68delinsArg)

Gene: KITLG (KIT ligand; minus strand). Cytogenetic location: 12q21.32.
Variant type: Deletion.
Coding change: c.200_202del on transcript NM_000899.5 (MANE Select); coding-DNA positions 200 to 202, 3 bases deleted (ATT; older notation c.200_202delATT).
Protein change: p.His67_Cys68delinsArg.
Molecular consequence: inframe indel.
Genome position (GRCh38, 1-based): chr12:88,518,858-88,518,860, AAT deleted on the plus strand (ATT on the coding strand, the reverse complement: KITLG is on the minus strand). VCF-style (leftmost placement, unchanged base first): chr12-88518857-CAAT-C. GRCh37 (hg19) VCF-style: chr12-88912634-CAAT-C.
Other names: c.200_202del, p.His67_Cys68delinsArg (NM_003994.6).
Identifiers: ClinVar variation 218888 (VCV000218888.1), dbSNP rs864309654, ClinGen allele CA278767.